The following is an entry in ClinVar:

ClinVar aggregate classification (germline): Uncertain significance (1 of 4 stars; one submission).

Allele frequency attached by ClinVar (database versions not stated): gnomAD 0.00003; TOPMed 0.00007; ESP Exome Variant Server 0.00008; ExAC 0.00001.
gnomAD v4.1: 124 of 1,614,116 alleles (0.0077%); highest among the groups gnomAD compares: Non-Finnish European, 0.0097%; no homozygotes.

Submission:

Labcorp Genetics (formerly Invitae), Labcorp
Classification: Uncertain significance. Last evaluated: 2025-12-06. Review status: criteria provided, single submitter. Criteria: Invitae Variant Classification Sherloc (09022015). Collection method: clinical testing. Allele origin: germline.
Comment: This sequence change replaces arginine, which is basic and polar, with histidine, which is basic and polar, at codon 739 of the DUOX2 protein (p.Arg739His). This variant is present in population databases (rs376528728, gnomAD 0.006%). This variant has not been reported in the literature in individuals affected with DUOX2-related conditions. ClinVar contains an entry for this variant (Variation ID: 2194225). Invitae Evidence Modeling of protein sequence and biophysical properties (such as structural, functional, and spatial information, amino acid conservation, physicochemical variation, residue mobility, and thermodynamic stability) indicates that this missense variant is not expected to disrupt DUOX2 protein function with a negative predictive value of 80%. In summary, the available evidence is currently insufficient to determine the role of this variant in disease. Therefore, it has been classified as a Variant of Uncertain Significance.

NM_001363711.2(DUOX2):c.2216G>A (p.Arg739His)

Gene: DUOX2 (dual oxidase 2; minus strand). Cytogenetic location: 15q21.1.
Variant type: single nucleotide variant.
Coding change: c.2216G>A on transcript NM_001363711.2 (MANE Select); coding-DNA position 2216, G replaced by A.
Protein change: p.Arg739His; replaces arginine 739 with histidine.
Molecular consequence: missense variant.
Genome position (GRCh38, 1-based): chr15:45,105,761, C>T on the plus strand (G>A on the coding strand, the complement: DUOX2 is on the minus strand). VCF-style: chr15-45105761-C-T. GRCh37 (hg19) VCF-style: chr15-45397959-C-T.
Other names: c.2216G>A, p.Arg739His (NM_014080.5); short protein forms R739H.
Identifiers: ClinVar variation 2194225 (VCV002194225.4), dbSNP rs376528728, ClinGen allele CA7538324.
Genomic context (GRCh38, chr15:45,105,761, plus strand): 5'-ACAGCCTTCCTAAATAGCTCCTTCTCGCTCATCTCAGCCACATGGAGGCCCAGAGCCCAG[C>T]GCACGCAGAAGTCCCATAGCTGCTGCACAAAGGCGCCCCGTTCCTCTTCAGAACTAAACA-3'
Protein context (NP_001350640.1, residues 729-749): FVQQLWDFCV[Arg739His]WALGLHVAEM